The following is an entry in ClinVar:

NM_006642.5(SDCCAG8):c.336G>A (p.Met112Ile)

Gene: SDCCAG8 (SHH signaling and ciliogenesis regulator SDCCAG8; plus strand). Cytogenetic location: 1q43.
Variant type: single nucleotide variant.
Coding change: c.336G>A on transcript NM_006642.5 (MANE Select); coding-DNA position 336, G replaced by A.
Protein change: p.Met112Ile; replaces methionine 112 with isoleucine.
Molecular consequence: missense variant. On other transcripts: 5 prime UTR variant (3).
Genome position (GRCh38, 1-based): chr1:243,274,572, G>A. VCF-style: chr1-243274572-G-A. GRCh37 (hg19) VCF-style: chr1-243437874-G-A.
Other names: c.-777G>A (NM_001350246.2); c.-665G>A (NM_001350247.2); c.336G>A, p.Met112Ile (NM_001350248.2); c.42G>A, p.Met14Ile (NM_001350249.2); c.-1038G>A (NM_001350251.2); short protein forms M112I, M14I.
Identifiers: ClinVar variation 2628913 (VCV002628913.1), dbSNP rs767563520, ClinGen allele CA1483284.

ClinVar aggregate classification (germline): Uncertain significance (1 of 4 stars; one submission).

Conditions:
SDCCAG8-related disorder. Also called: SDCCAG8-related condition; SDCCAG8-Related Disorders.

Allele frequency attached by ClinVar (database versions not stated): gnomAD exomes below 0.00001; ExAC 0.00001.

Submission:

PreventionGenetics, part of Exact Sciences
Classification: Uncertain significance for SDCCAG8-related condition. Last evaluated: 2022-11-09. Review status: criteria provided, single submitter. Criteria: ACMG Guidelines, 2015. Collection method: clinical testing. Allele origin: germline.
Comment: The SDCCAG8 c.336G>A variant is predicted to result in the amino acid substitution p.Met112Ile. To our knowledge, this variant has not been reported in the literature. This variant is reported in 0.00088% of alleles in individuals of European (Non-Finnish) descent in gnomAD. At this time, the clinical significance of this variant is uncertain due to the absence of conclusive functional and genetic evidence.